The following is an entry in ClinVar:

NM_001457.4(FLNB):c.3232G>A (p.Glu1078Lys)

Gene: FLNB (filamin B; plus strand). Cytogenetic location: 3p14.3.
Variant type: single nucleotide variant.
Coding change: c.3232G>A on transcript NM_001457.4 (MANE Select); coding-DNA position 3232, G replaced by A.
Protein change: p.Glu1078Lys; replaces glutamic acid 1078 with lysine.
Molecular consequence: missense variant.
Genome position (GRCh38, 1-based): chr3:58,123,198, G>A. VCF-style: chr3-58123198-G-A. GRCh37 (hg19) VCF-style: chr3-58108925-G-A.
Other names: c.3232G>A, p.Glu1078Lys (NM_001164317.2, NM_001164318.2, NM_001164319.2); short protein forms E1078K.
Identifiers: ClinVar variation 2314767 (VCV002314767.5), dbSNP rs1323641861, ClinGen allele CA353348363.
Genomic context (GRCh38, chr3:58,123,198, plus strand): 5'-CCTGCCGAGTTCACCATCGATACCAAAGGAGCTGGTACTGGAGGTCTGGGCTTAACGGTG[G>A]AAGGTCCGTGCGAGGCCAAAATCGAGTGCTCCGACAATGGTGATGGGACCTGCTCCGTCT-3'
Protein context (NP_001448.2, residues 1068-1088): AGTGGLGLTV[Glu1078Lys]GPCEAKIECS

ClinVar aggregate classification (germline): Uncertain significance. Review status: criteria provided, multiple submitters, no conflicts (2 of 4 stars). 2 submissions from 2 submitters: Uncertain significance (2). Last evaluated 2023-02-22.

Conditions:
Inborn genetic diseases. Identifiers: MedGen C0950123, MeSH D030342.

Allele frequency attached by ClinVar (database versions not stated): TOPMed below 0.00001; gnomAD 0.00001; gnomAD exomes 0.00001.
gnomAD v4.1: 8 of 1,613,828 alleles (0.0005%); highest among the groups gnomAD compares: Non-Finnish European, 0.00068%; no homozygotes.

Submissions (2):

Labcorp Genetics (formerly Invitae), Labcorp
Classification: Uncertain significance. Last evaluated: 2023-02-22. Review status: criteria provided, single submitter. Criteria: Invitae Variant Classification Sherloc (09022015). Collection method: clinical testing. Allele origin: germline.
Comment: In summary, the available evidence is currently insufficient to determine the role of this variant in disease. Therefore, it has been classified as a Variant of Uncertain Significance. Advanced modeling of protein sequence and biophysical properties (such as structural, functional, and spatial information, amino acid conservation, physicochemical variation, residue mobility, and thermodynamic stability) performed at Invitae indicates that this missense variant is not expected to disrupt FLNB protein function. This variant has not been reported in the literature in individuals affected with FLNB-related conditions. This variant is present in population databases (no rsID available, gnomAD 0.0009%). This sequence change replaces glutamic acid, which is acidic and polar, with lysine, which is basic and polar, at codon 1078 of the FLNB protein (p.Glu1078Lys).

Ambry Genetics
Classification: Uncertain significance for Inborn genetic diseases. Last evaluated: 2022-09-29. Review status: criteria provided, single submitter. Criteria: Ambry Variant Classification Scheme 2023. Collection method: clinical testing. Allele origin: germline.